The following is an entry in ClinVar:

ClinVar aggregate classification (germline): Uncertain significance. Review status: criteria provided, multiple submitters, no conflicts (2 of 4 stars). 2 submissions from 2 submitters: Uncertain significance (2). Last evaluated 2025-09-09.

Allele frequency attached by ClinVar (database versions not stated): TOPMed 0.00001; gnomAD exomes 0.00003; ExAC 0.00006.

Submissions (2):

Labcorp Genetics (formerly Invitae), Labcorp
Classification: Uncertain significance. Last evaluated: 2025-09-09. Review status: criteria provided, single submitter. Criteria: Invitae Variant Classification Sherloc (09022015). Collection method: clinical testing. Allele origin: germline.
Comment: This sequence change replaces asparagine, which is neutral and polar, with serine, which is neutral and polar, at codon 304 of the RNF113A protein (p.Asn304Ser). This variant is present in population databases (rs753106027, gnomAD 0.07%), and has an allele count higher than expected for a pathogenic variant. This variant has not been reported in the literature in individuals affected with RNF113A-related conditions. ClinVar contains an entry for this variant (Variation ID: 2212054). Invitae Evidence Modeling of protein sequence and biophysical properties (such as structural, functional, and spatial information, amino acid conservation, physicochemical variation, residue mobility, and thermodynamic stability) indicates that this missense variant is not expected to disrupt RNF113A protein function with a negative predictive value of 80%. In summary, the available evidence is currently insufficient to determine the role of this variant in disease. Therefore, it has been classified as a Variant of Uncertain Significance.

Ambry Genetics
Classification: Uncertain significance. Last evaluated: 2022-10-03. Review status: criteria provided, single submitter. Criteria: Ambry Variant Classification Scheme 2023. Collection method: clinical testing. Allele origin: germline.

NM_006978.3(RNF113A):c.911A>G (p.Asn304Ser)

Gene: RNF113A (ring finger protein 113A; minus strand). Cytogenetic location: Xq24.
Variant type: single nucleotide variant.
Coding change: c.911A>G on transcript NM_006978.3 (MANE Select); coding-DNA position 911, A replaced by G.
Protein change: p.Asn304Ser; replaces asparagine 304 with serine.
Molecular consequence: missense variant.
Genome position (GRCh38, 1-based): chrX:119,870,703, T>C on the plus strand (A>G on the coding strand, the complement: RNF113A is on the minus strand). VCF-style: chrX-119870703-T-C. GRCh37 (hg19) VCF-style: chrX-119004666-T-C.
Other names: short protein forms N304S.
Identifiers: ClinVar variation 2212054 (VCV002212054.3), dbSNP rs753106027, ClinGen allele CA10503429.